The following is an entry in ClinVar:

NM_144670.6(A2ML1):c.941T>C (p.Ile314Thr)

Gene: A2ML1 (alpha-2-macroglobulin like 1; plus strand). Cytogenetic location: 12p13.31.
Variant type: single nucleotide variant.
Coding change: c.941T>C on transcript NM_144670.6 (MANE Select); coding-DNA position 941, T replaced by C.
Protein change: p.Ile314Thr; replaces isoleucine 314 with threonine.
Molecular consequence: missense variant.
Genome position (GRCh38, 1-based): chr12:8,838,421, T>C. VCF-style: chr12-8838421-T-C. GRCh37 (hg19) VCF-style: chr12-8991017-T-C.
Other names: c.941T>C (NM_144670.3); short protein forms I314T.
Identifiers: ClinVar variation 2725308 (VCV002725308.4), dbSNP rs889804273, ClinGen allele CA232672284.
Genomic context (GRCh38, chr12:8,838,421, plus strand): 5'-CACCTGTGGACATGGCCACCTTTGACCTCATTGGATATGCGTACAGCCATCAAATCAATA[T>C]TGTGGCTACTGTTGTGGAGGAAGGGACAGGTAAGTAGGGTGCTCCTTGGCTCATTAAGAA-3'
Protein context (NP_653271.3, residues 304-324): IGYAYSHQIN[Ile314Thr]VATVVEEGTG

ClinVar aggregate classification (germline): Uncertain significance. Review status: criteria provided, multiple submitters, no conflicts (2 of 4 stars). 2 submissions from 2 submitters: Uncertain significance (2). Last evaluated 2024-09-14.

Allele frequency attached by ClinVar (database versions not stated): TOPMed below 0.00001.
gnomAD v4.1: 24 of 1,613,818 alleles (0.0015%); highest among the groups gnomAD compares: Non-Finnish European, 0.002%; no homozygotes.

Submissions (2):

Ambry Genetics
Classification: Uncertain significance. Last evaluated: 2024-09-14. Review status: criteria provided, single submitter. Criteria: Ambry Variant Classification Scheme 2023. Collection method: clinical testing. Allele origin: germline.
Comment: The p.I314T variant (also known as c.941T>C), located in coding exon 9 of the A2ML1 gene, results from a T to C substitution at nucleotide position 941. The isoleucine at codon 314 is replaced by threonine, an amino acid with similar properties. This amino acid position is conserved. In addition, this alteration is predicted to be tolerated by in silico analysis. Based on the available evidence, the clinical significance of this variant remains unclear.

Labcorp Genetics (formerly Invitae), Labcorp
Classification: Uncertain significance. Last evaluated: 2024-01-08. Review status: criteria provided, single submitter. Criteria: Invitae Variant Classification Sherloc (09022015). Collection method: clinical testing. Allele origin: germline.
Comment: This sequence change replaces isoleucine, which is neutral and non-polar, with threonine, which is neutral and polar, at codon 314 of the A2ML1 protein (p.Ile314Thr). This variant is present in population databases (no rsID available, gnomAD 0.0009%). This variant has not been reported in the literature in individuals affected with A2ML1-related conditions. An algorithm developed to predict the effect of missense changes on protein structure and function (PolyPhen-2) suggests that this variant is likely to be tolerated. In summary, the available evidence is currently insufficient to determine the role of this variant in disease. Therefore, it has been classified as a Variant of Uncertain Significance.